The following is an entry in ClinVar:

NM_001040108.2(MLH3):c.1742A>G (p.Lys581Arg)

Gene: MLH3 (mutL homolog 3; minus strand). Cytogenetic location: 14q24.3.
Variant type: single nucleotide variant.
Coding change: c.1742A>G on transcript NM_001040108.2 (MANE Select); coding-DNA position 1742, A replaced by G.
Protein change: p.Lys581Arg; replaces lysine 581 with arginine.
Molecular consequence: missense variant.
Genome position (GRCh38, 1-based): chr14:75,047,914, T>C on the plus strand (A>G on the coding strand, the complement: MLH3 is on the minus strand). VCF-style: chr14-75047914-T-C. GRCh37 (hg19) VCF-style: chr14-75514617-T-C.
Other names: c.1742A>G, p.Lys581Arg (NM_014381.3); short protein forms K581R.
Identifiers: ClinVar variation 2563572 (VCV002563572.2), dbSNP rs2139577100, ClinGen allele CA390444488.

ClinVar aggregate classification (germline): Uncertain significance (1 of 4 stars; one submission).

Submission:

Ambry Genetics
Classification: Uncertain significance. Last evaluated: 2023-05-23. Review status: criteria provided, single submitter. Criteria: Ambry Variant Classification Scheme 2023. Collection method: clinical testing. Allele origin: germline.
Comment: The p.K581R variant (also known as c.1742A>G), located in coding exon 1 of the MLH3 gene, results from an A to G substitution at nucleotide position 1742. The lysine at codon 581 is replaced by arginine, an amino acid with highly similar properties. This amino acid position is conserved. In addition, this alteration is predicted to be tolerated by in silico analysis. Since supporting evidence is limited at this time, the clinical significance of this alteration remains unclear.